The following is an entry in ClinVar:

ClinVar aggregate classification (germline): Pathogenic (1 of 4 stars; one submission).

Submission:

GeneDx
Classification: Pathogenic. Last evaluated: 2017-07-17. Review status: criteria provided, single submitter. Criteria: GeneDx Variant Classification (06012015). Collection method: clinical testing. Allele origin: germline. Affected: yes.
Comment: The W347X nonsense variant in the VLDLR gene is predicted to cause loss of normal protein function either through protein truncation or nonsense-mediated mRNA decay. The W347X pathogenic variant is not observed in large population cohorts (Lek et al., 2016; 1000 Genomes Consortium et al., 2015; Exome Variant Server). Although this pathogenic variant has not been reported previously to our knowledge, other loss of function variants have been reported in the VLDLR gene in association with VLDLR-associated cerebellar hypoplasia (VLDLR-CH) (Stenson et al., 2014). Therefore, we interpret W347X as a pathogenic variant.

NM_003383.5(VLDLR):c.1041_1045del (p.Trp347_Asp349delinsTer)

Gene: VLDLR (very low density lipoprotein receptor; plus strand). Cytogenetic location: 9p24.2.
Variant type: Deletion.
Coding change: c.1041_1045del on transcript NM_003383.5 (MANE Select); coding-DNA positions 1041 to 1045, 5 bases deleted (GAGTG; older notation c.1041_1045delGAGTG).
Protein change: p.Trp347_Asp349delinsTer.
Molecular consequence: nonsense.
Genome position (GRCh38, 1-based): chr9:2,643,934-2,643,938, GAGTG deleted; deleting any 5 consecutive bases within chr9:2,643,932-2,643,938 gives the same sequence; the c. name uses the placement nearest the transcript's 3' end. VCF-style (leftmost placement, unchanged base first): chr9-2643931-CTGGAG-C. GRCh37 (hg19) VCF-style: chr9-2643931-CTGGAG-C.
Other names: c.1041_1045del, p.Trp347_Asp349delinsTer (NM_001018056.3); c.918_922del, p.Trp306_Asp308delinsTer (NM_001322225.2, NM_001322226.2).
Identifiers: ClinVar variation 450521 (VCV000450521.2), dbSNP rs1554621211, ClinGen allele CA658657855.